The following is an entry in ClinVar:

NM_001267550.2(TTN):c.74207A>G (p.Asp24736Gly)

Genes: TTN (titin; minus strand), TTN-AS1 (TTN antisense RNA 1; plus strand). Cytogenetic location: 2q31.2.
Variant type: single nucleotide variant.
Coding change: c.74207A>G on transcript NM_001267550.2 (MANE Select); coding-DNA position 74207, A replaced by G.
Protein change: p.Asp24736Gly; replaces aspartic acid 24736 with glycine.
Molecular consequence: missense variant.
Genome position (GRCh38, 1-based): chr2:178,571,925, T>C on the plus strand (A>G on the coding strand, the complement: TTN is on the minus strand). VCF-style: chr2-178571925-T-C. GRCh37 (hg19) VCF-style: chr2-179436652-T-C.
Other names: c.69284A>G, p.Asp23095Gly (NM_001256850.1); c.47012A>G, p.Asp15671Gly (NM_003319.4); c.66503A>G, p.Asp22168Gly (NM_133378.4); c.47387A>G, p.Asp15796Gly (NM_133432.3); c.47588A>G, p.Asp15863Gly (NM_133437.4); short protein forms D15671G, D15796G, D15863G, D22168G, D23095G, D24736G.
Identifiers: ClinVar variation 3894840 (VCV003894840.7), dbSNP rs762510108.
Genomic context (GRCh38, chr2:178,571,925, plus strand): 5'-AGTGGTACATTATCTTTATGCCAGGTTACAGCTGGGGTAGGGCGGCCAATGAATGGAACA[T>C]CAACTTTTAGGTCTTCACCTGCCAGTACAGTGAAAGTATTGAACAGGAGTTTGAAGGCTG-3'
Protein context (NP_001254479.2, residues 24726-24746): TVLAGEDLKV[Asp24736Gly]VPFIGRPTPA

ClinVar aggregate classification (germline): Conflicting classifications of pathogenicity. Review status: criteria provided, conflicting classifications (1 of 4 stars). 2 submissions from 2 submitters: Uncertain significance (1); Likely benign (1). Last evaluated 2025-10-01.

gnomAD v4.1: 4 of 1,613,118 alleles (0.00025%); highest among the groups gnomAD compares: Non-Finnish European, 0.00034%; no homozygotes.

Submissions (2):

CeGaT Center for Human Genetics Tuebingen
Classification: Uncertain significance. Last evaluated: 2025-10-01. Review status: criteria provided, single submitter. Criteria: CeGaT Center For Human Genetics Tuebingen Variant Classification Criteria Version 2. Collection method: clinical testing. Allele origin: germline. Affected: yes. Observed: 1 variant allele.
Comment: TTN: PM2

Molecular Diagnostic Laboratory for Inherited Cardiovascular Disease, Montreal Heart Institute
Classification: Likely benign. Last evaluated: 2025-04-09. Review status: criteria provided, single submitter. Criteria: ACMG Guidelines, 2015. Collection method: clinical testing. Allele origin: germline. Affected: no.